The following is an entry in ClinVar:

ClinVar aggregate classification (germline): Uncertain significance (1 of 4 stars; one submission).

Conditions:
Familial thoracic aortic aneurysm and aortic dissection (TAAD). Also called: Thoracic aortic aneurysms and dissections. Identifiers: Orphanet 91387, MedGen C4707243, MONDO:0019625.

gnomAD v4.1: 1 of 1,614,238 alleles (0.000062%); highest among the groups gnomAD compares: Non-Finnish European, 0.000085%; no homozygotes.

Submission:

Ambry Genetics
Classification: Uncertain significance for Familial thoracic aortic aneurysm and aortic dissection. Last evaluated: 2026-07-09. Review status: criteria provided, single submitter. Criteria: Ambry Variant Classification Scheme 2023. Collection method: clinical testing. Allele origin: germline.
Comment: The p.P349L variant (also known as c.1046C>T), located in coding exon 7 of the COL5A1 gene, results from a C to T substitution at nucleotide position 1046. The proline at codon 349 is replaced by leucine, an amino acid with similar properties. This amino acid position is conserved. In addition, the in silico prediction for this alteration is inconclusive. Based on the available evidence, the clinical significance of this variant remains unclear.

NM_000093.5(COL5A1):c.1046C>T (p.Pro349Leu)

Gene: COL5A1 (collagen type V alpha 1 chain; plus strand). Cytogenetic location: 9q34.3.
Variant type: single nucleotide variant.
Coding change: c.1046C>T on transcript NM_000093.5 (MANE Select); coding-DNA position 1046, C replaced by T.
Protein change: p.Pro349Leu; replaces proline 349 with leucine.
Molecular consequence: missense variant.
Genome position (GRCh38, 1-based): chr9:134,730,357, C>T. VCF-style: chr9-134730357-C-T. GRCh37 (hg19) VCF-style: chr9-137622203-C-T.
Other names: c.1046C>T, p.Pro349Leu (NM_001278074.1); short protein forms P349L.
Identifiers: ClinVar variation 5034810 (VCV005034810.1).
Genomic context (GRCh38, chr9:134,730,357, plus strand): 5'-AGGAAGAGGACGTCGGCATCGGGGACTATGACTACGTGCCCAGTGAGGACTACTACACGC[C>T]CTCACCGTATGATGACCTCACCTATGGCGAGGGGGAGGAGAACCCCGACCAGCCCACAGA-3'
Protein context (NP_000084.3, residues 339-359): DYVPSEDYYT[Pro349Leu]SPYDDLTYGE